The following is an entry in ClinVar:

NM_014956.5(CEP164):c.3311C>G (p.Ser1104Cys)

Gene: CEP164 (centrosomal protein 164; plus strand). Cytogenetic location: 11q23.3.
Variant type: single nucleotide variant.
Coding change: c.3311C>G on transcript NM_014956.5 (MANE Select); coding-DNA position 3311, C replaced by G.
Protein change: p.Ser1104Cys; replaces serine 1104 with cysteine.
Molecular consequence: missense variant.
Genome position (GRCh38, 1-based): chr11:117,397,123, C>G. VCF-style: chr11-117397123-C-G. GRCh37 (hg19) VCF-style: chr11-117267839-C-G.
Other names: c.3320C>G, p.Ser1107Cys (NM_001271933.2); c.3317C>G, p.Ser1106Cys (NM_001440949.1); c.3311C>G, p.Ser1104Cys (NM_001440950.1, NM_001440951.1, NM_001440953.1); c.3143C>G, p.Ser1048Cys (NM_001440952.1, NM_001440969.1); c.3233C>G, p.Ser1078Cys (NM_001440954.1, NM_001440955.1, NM_001440958.1 and 1 more transcripts); c.3224C>G, p.Ser1075Cys (NM_001440956.1); c.3221C>G, p.Ser1074Cys (NM_001440957.1); c.3182C>G, p.Ser1061Cys (NM_001440960.1); and 13 more; short protein forms S1008C, S1034C, S1061C, S1104C, S1107C, S1054C, S1055C, S1058C.
Identifiers: ClinVar variation 4987391 (VCV004987391.1).
Genomic context (GRCh38, chr11:117,397,123, plus strand): 5'-TTTTCCTTCTTCAACTCTCCTGCTCCAGCCTGTCCTCCCACAATGTCTGGCACCTCCTCT[C>G]TGCTGAGGGGGTAGCCCTCCGTAGTGCCAAGGAGTTCCTTGTGCAGCAGACACGCTCCAT-3'
Protein context (NP_055771.4, residues 1094-1114): LSSHNVWHLL[Ser1104Cys]AEGVALRSAK

ClinVar aggregate classification (germline): Uncertain significance (1 of 4 stars; one submission).

Conditions:
CEP164-related disorder. Also called: CEP164-related condition.

gnomAD v4.1: 1 of 1,614,188 alleles (0.000062%); highest among the groups gnomAD compares: Non-Finnish European, 0.000085%; no homozygotes.

Submission:

PreventionGenetics, part of Exact Sciences
Classification: Uncertain significance for CEP164-related condition. Last evaluated: 2026-05-03. Review status: criteria provided, single submitter. Criteria: ACMG Guidelines, 2015. Collection method: clinical testing. Allele origin: germline.
Comment: The CEP164 c.3311C>G variant is predicted to result in the amino acid substitution p.Ser1104Cys. To our knowledge, this variant has not been reported in the literature or in a large population database (gnomAD), indicating this variant is rare. At this time, the clinical significance of this variant is uncertain due to the absence of conclusive functional and genetic evidence.